The following is an entry in ClinVar:

NM_024598.4(USB1):c.89G>T (p.Ser30Ile)

Genes: USB1 (U6 snRNA biogenesis phosphodiesterase 1; plus strand), LOC130059131 (ATAC-STARR-seq lymphoblastoid active region 10920; plus strand). Cytogenetic location: 16q21.
Variant type: single nucleotide variant.
Coding change: c.89G>T on transcript NM_024598.4 (MANE Select); coding-DNA position 89, G replaced by T.
Protein change: p.Ser30Ile; replaces serine 30 with isoleucine.
Molecular consequence: missense variant. On other transcripts: intron variant (1).
Genome position (GRCh38, 1-based): chr16:58,001,572, G>T. VCF-style: chr16-58001572-G-T. GRCh37 (hg19) VCF-style: chr16-58035476-G-T.
Other names: c.89G>T, p.Ser30Ile (NM_001195302.2, NM_001204911.2, NM_001330569.2); c.-55-907G>T (NM_001330568.2); short protein forms S30I.
Identifiers: ClinVar variation 3813901 (VCV003813901.1).

ClinVar aggregate classification (germline): Uncertain significance (1 of 4 stars; one submission).

Conditions:
Inborn genetic diseases. Identifiers: MedGen C0950123, MeSH D030342.

gnomAD v4.1: 2 of 1,606,742 alleles (0.00012%); highest among the groups gnomAD compares: Non-Finnish European, 0.00017%; no homozygotes.

Submission:

Ambry Genetics
Classification: Uncertain significance for Inborn genetic diseases. Last evaluated: 2025-02-16. Review status: criteria provided, single submitter. Criteria: Ambry Variant Classification Scheme 2023. Collection method: clinical testing. Allele origin: germline.
Comment: The p.S30I variant (also known as c.89G>T), located in coding exon 1 of the USB1 gene, results from a G to T substitution at nucleotide position 89. The serine at codon 30 is replaced by isoleucine, an amino acid with dissimilar properties. This amino acid position is conserved. In addition, this alteration is predicted to be tolerated by in silico analysis. Based on the available evidence, the clinical significance of this variant remains unclear.